The following is an entry in ClinVar:

NM_016495.6(TBC1D7):c.469C>T (p.Arg157Cys)

Genes: TBC1D7 (TBC1 domain family member 7; minus strand), TBC1D7-LOC100130357 (TBC1D7-LOC100130357 readthrough; minus strand). Cytogenetic location: 6p24.1.
Variant type: single nucleotide variant.
Coding change: c.469C>T on transcript NM_016495.6 (MANE Select); coding-DNA position 469, C replaced by T.
Protein change: p.Arg157Cys; replaces arginine 157 with cysteine.
Molecular consequence: missense variant. On other transcripts: non-coding transcript variant (1), intron variant (1).
Genome position (GRCh38, 1-based): chr6:13,316,621, G>A on the plus strand (C>T on the coding strand, the complement: TBC1D7 is on the minus strand). VCF-style: chr6-13316621-G-A. GRCh37 (hg19) VCF-style: chr6-13316853-G-A.
Other names: c.469C>T, p.Arg157Cys (NM_001318809.2, NM_001143964.4, NM_001143965.4 and 1 more transcripts); c.388C>T, p.Arg130Cys (NM_001143966.4); c.381+4287C>T (NM_001258457.3); c.469C>T (NM_016495.4); short protein forms R130C, R157C.
Identifiers: ClinVar variation 1300860 (VCV001300860.10), dbSNP rs151071014, ClinGen allele CA3639737.

ClinVar aggregate classification (germline): Conflicting classifications of pathogenicity. Review status: criteria provided, conflicting classifications (1 of 4 stars). 3 submissions from 3 submitters: Uncertain significance (2); Likely benign (1). Last evaluated 2025-08-29.

Allele frequency attached by ClinVar (database versions not stated): ESP Exome Variant Server 0.00015; ExAC 0.00016; gnomAD exomes 0.00019; 1000 Genomes Project 30x 0.00047; 1000 Genomes Project 0.00060.

Submissions (3):

Ambry Genetics
Classification: Likely benign. Last evaluated: 2025-08-29. Review status: criteria provided, single submitter. Criteria: Ambry Variant Classification Scheme 2023. Collection method: clinical testing. Allele origin: germline.

Labcorp Genetics (formerly Invitae), Labcorp
Classification: Uncertain significance. Last evaluated: 2024-02-20. Review status: criteria provided, single submitter. Criteria: Invitae Variant Classification Sherloc (09022015). Collection method: clinical testing. Allele origin: germline.
Comment: This sequence change replaces arginine, which is basic and polar, with cysteine, which is neutral and slightly polar, at codon 157 of the TBC1D7 protein (p.Arg157Cys). This variant is present in population databases (rs151071014, gnomAD 0.1%). This variant has not been reported in the literature in individuals affected with TBC1D7-related conditions. ClinVar contains an entry for this variant (Variation ID: 1300860). Algorithms developed to predict the effect of missense changes on protein structure and function output the following: SIFT: "Not Available"; PolyPhen-2: "Benign"; Align-GVGD: "Not Available". The cysteine amino acid residue is found in multiple mammalian species, which suggests that this missense change does not adversely affect protein function. In summary, the available evidence is currently insufficient to determine the role of this variant in disease. Therefore, it has been classified as a Variant of Uncertain Significance.

GeneDx
Classification: Uncertain significance. Last evaluated: 2023-03-09. Review status: criteria provided, single submitter. Criteria: GeneDx Variant Classification Process June 2021. Collection method: clinical testing. Allele origin: germline. Affected: yes.
Comment: In silico analysis supports that this missense variant does not alter protein structure/function; Has not been previously published as pathogenic or benign to our knowledge